The following is an entry in ClinVar:

NM_058172.6(ANTXR2):c.*242A>G

Gene: ANTXR2 (ANTXR cell adhesion molecule 2; minus strand). Cytogenetic location: 4q21.21.
Variant type: single nucleotide variant.
Coding change: c.*242A>G on transcript NM_058172.6 (MANE Select); 242 bases downstream of the stop codon, A replaced by G.
Molecular consequence: 3 prime UTR variant.
Genome position (GRCh38, 1-based): chr4:79,907,187, T>C on the plus strand (A>G on the coding strand, the complement: ANTXR2 is on the minus strand). VCF-style: chr4-79907187-T-C. GRCh37 (hg19) VCF-style: chr4-80828341-T-C.
Other names: c.*242A>G (NM_001286780.2, NM_001286781.2).
Identifiers: ClinVar variation 905531 (VCV000905531.4), dbSNP rs139631974, ClinGen allele CA100488633.
Genomic context (GRCh38, chr4:79,907,187, plus strand): 5'-ACATTCAAACAAACTTTCTTGTACAAACCATAGTCTGCAGGTCAATGTTCCTCTTTATTT[T>C]CAATGTCATAAATCATGAGTTACCACTGAGTTTCATCACCTCCCATGTAGATGGCAGAAC-3'

ClinVar aggregate classification (germline): Likely benign (1 of 4 stars; one submission).

Conditions:
Hyaline fibromatosis syndrome (HFS). Also called: Hyalinosis, Inherited Systemic; HYALINOSIS, SYSTEMIC. Identifiers: Orphanet 2028, Orphanet 498474, MedGen C5574677, MONDO:0009229, OMIM 228600.

Allele frequency attached by ClinVar (database versions not stated): gnomAD exomes 0.00014; gnomAD 0.00139 and 0.00151; 1000 Genomes Project 0.00180; TOPMed 0.00180; 1000 Genomes Project 30x 0.00219.
gnomAD v4.1: 275 of 556,826 alleles (0.049%); highest among the groups gnomAD compares: African/African-American, 0.48%; no homozygotes.

Submission:

Illumina Laboratory Services, Illumina
Classification: Likely benign for Hyaline fibromatosis syndrome. Last evaluated: 2018-01-13. Review status: criteria provided, single submitter. Criteria: ICSL Variant Classification Criteria 13 December 2019. Collection method: clinical testing. Allele origin: germline.
Comment: This variant was observed in the ICSL laboratory as part of a predisposition screen in an ostensibly healthy population. It had not been previously curated by ICSL or reported in the Human Gene Mutation Database (HGMD: prior to June 1st, 2018), and was therefore a candidate for classification through an automated scoring system. Utilizing variant allele frequency, disease prevalence and penetrance estimates, and inheritance mode, an automated score was calculated to assess if this variant is too frequent to cause the disease. Based on the score and internal cut-off values, a variant classified as likely benign is not then subjected to further curation. The score for this variant resulted in a classification of likely benign for this disease.